The following is an entry in ClinVar:

ClinVar aggregate classification (germline): Uncertain significance (1 of 4 stars; one submission).

Submission:

GeneDx
Classification: Uncertain significance. Last evaluated: 2026-03-21. Review status: criteria provided, single submitter. Criteria: GeneDx Variant Classification Process June 2021. Collection method: clinical testing. Allele origin: germline.
Comment: Not observed at significant frequency in large population cohorts (gnomAD); In silico analysis suggests that this missense variant does not alter protein structure/function; Has not been previously published as pathogenic or benign to our knowledge

NM_014991.6(WDFY3):c.3784G>A (p.Val1262Ile)

Gene: WDFY3 (WD repeat and FYVE domain containing 3; minus strand). Cytogenetic location: 4q21.23.
Variant type: single nucleotide variant.
Coding change: c.3784G>A on transcript NM_014991.6 (MANE Select); coding-DNA position 3784, G replaced by A.
Protein change: p.Val1262Ile; replaces valine 1262 with isoleucine.
Molecular consequence: missense variant.
Genome position (GRCh38, 1-based): chr4:84,787,599, C>T on the plus strand (G>A on the coding strand, the complement: WDFY3 is on the minus strand). VCF-style: chr4-84787599-C-T. GRCh37 (hg19) VCF-style: chr4-85708752-C-T.
Other names: short protein forms V1262I.
Identifiers: ClinVar variation 5009593 (VCV005009593.1).